The following is an entry in ClinVar:

NM_000116.5(TAFAZZIN):c.542G>A (p.Gly181Glu)

Gene: TAFAZZIN (tafazzin, phospholipid-lysophospholipid transacylase; plus strand). Cytogenetic location: Xq28.
Variant type: single nucleotide variant.
Coding change: c.542G>A on transcript NM_000116.5 (MANE Select); coding-DNA position 542, G replaced by A.
Protein change: p.Gly181Glu; replaces glycine 181 with glutamic acid.
Molecular consequence: missense variant. On other transcripts: non-coding transcript variant (1), intron variant (3).
Genome position (GRCh38, 1-based): chrX:154,419,705, G>A. VCF-style: chrX-154419705-G-A. GRCh37 (hg19) VCF-style: chrX-153648044-G-A.
Other names: c.452G>A, p.Gly151Glu (NM_181311.4); c.595+82G>A (NM_001303465.2); c.541+82G>A (NM_181312.4); c.451+82G>A (NM_181313.4); short protein forms G151E, G181E.
Identifiers: ClinVar variation 1025980 (VCV001025980.4), dbSNP rs2068574531, ClinGen allele CA415183816.
Genomic context (GRCh38, chrX:154,419,705, plus strand): 5'-GAGCCCCCCCAGTATGAGCGGGATGGGCTCCCAAGCCTCGCCTCTGTGCTCTCTCACCAG[G>A]GAAAGTGAACATGAGTTCCGAATTCCTGCGTTTCAAGTGGGGTAAGGGCTGCTGGTCTCT-3'
Protein context (NP_000107.1, residues 171-191): HGDWVHIFPE[Gly181Glu]KVNMSSEFLR

ClinVar aggregate classification (germline): Conflicting classifications of pathogenicity. Review status: criteria provided, conflicting classifications (1 of 4 stars). 2 submissions from 2 submitters: Likely pathogenic (1); Uncertain significance (1). Last evaluated 2022-12-13.

Conditions:
3-Methylglutaconic aciduria type 2 (BTHS). Also called: Barth syndrome; CARDIOSKELETAL MYOPATHY WITH NEUTROPENIA AND ABNORMAL MITOCHONDRIA. Identifiers: Orphanet 111, MedGen C0574083, MONDO:0010543, OMIM 302060.
TAZ-related disorders.

Submissions (2):

Labcorp Genetics (formerly Invitae), Labcorp
Classification: Uncertain significance for 3-Methylglutaconic aciduria type 2. Last evaluated: 2022-12-13. Review status: criteria provided, single submitter. Criteria: Invitae Variant Classification Sherloc (09022015). Collection method: clinical testing. Allele origin: germline.
Comment: This sequence change replaces glycine, which is neutral and non-polar, with glutamic acid, which is acidic and polar, at codon 181 of the TAZ protein (p.Gly181Glu). In summary, the available evidence is currently insufficient to determine the role of this variant in disease. Therefore, it has been classified as a Variant of Uncertain Significance. Algorithms developed to predict the effect of missense changes on protein structure and function are either unavailable or do not agree on the potential impact of this missense change (SIFT: "Not Available"; PolyPhen-2: "Probably Damaging"; Align-GVGD: "Not Available"). ClinVar contains an entry for this variant (Variation ID: 1025980). This variant has not been reported in the literature in individuals affected with TAZ-related conditions. This variant is not present in population databases (gnomAD no frequency).

Blueprint Genetics
Classification: Likely pathogenic for TAZ-related disorders. Last evaluated: 2020-11-24. Review status: criteria provided, single submitter. Criteria: ACMG Guidelines, 2015. Collection method: clinical testing. Allele origin: germline. Affected: yes. Observed: 2 variant alleles.